The following is an entry in ClinVar:

NM_000478.6(ALPL):c.793-31C>T

Gene: ALPL (alkaline phosphatase, biomineralization associated; plus strand). Cytogenetic location: 1p36.12.
Variant type: single nucleotide variant.
Coding change: c.793-31C>T on transcript NM_000478.6 (MANE Select); 31 bases into the intron before coding-DNA position 793, C replaced by T.
Molecular consequence: intron variant.
Genome position (GRCh38, 1-based): chr1:21,570,274, C>T. VCF-style: chr1-21570274-C-T. GRCh37 (hg19) VCF-style: chr1-21896767-C-T.
Other names: p.?; c.793-31C>T (NM_001369805.2, NM_001369804.2, NM_001369803.2); c.628-31C>T (NM_001127501.4); c.562-31C>T (NM_001177520.3).
Identifiers: ClinVar variation 256232 (VCV000256232.12), dbSNP rs1256328, ClinGen allele CA666618.
Genomic context (GRCh38, chr1:21,570,274, plus strand): 5'-AGTAAAGGCCTCAGACTCTGATAGCTGCTGGGGTCAGTCCTTCCGACTCTCCCTAGCCCC[C>T]GGCATGTGCTGACACAGCCCTTCCTCCTAGCACTCCCACTTCATCTGGAACCGCACGGAA-3'

ClinVar aggregate classification (germline): Benign/Likely benign. Review status: criteria provided, multiple submitters, no conflicts (2 of 4 stars). 9 submissions from 7 submitters: Benign (8); Likely benign (1). Last evaluated 2025-08-29.

Conditions:
Hypophosphatasia. Also called: Phosphoethanol-aminuria. Identifiers: Orphanet 436, MedGen C0020630, MeSH D007014, MONDO:0018570.
Childhood hypophosphatasia. Identifiers: Orphanet 247667, Orphanet 436, MedGen C0220743, MONDO:1010168, OMIM 241510, MONDO:0009428.
Adult hypophosphatasia. Identifiers: Orphanet 247676, Orphanet 436, MedGen C0268413, MONDO:1010154, OMIM 146300, MONDO:0007798.
Infantile hypophosphatasia. Identifiers: Orphanet 247651, Orphanet 436, MedGen C0268412, MONDO:1010169, OMIM 241500, MONDO:0009427.

Allele frequency attached by ClinVar (database versions not stated): gnomAD 0.13784 and 0.13979; ESP Exome Variant Server 0.14109; TOPMed 0.14538; 1000 Genomes Project 30x 0.15131; 1000 Genomes Project 0.15555; gnomAD exomes 0.16197 and 0.16260; ExAC 0.16426.
gnomAD v4.1: 258,698 of 1,610,114 alleles (16%); highest among the groups gnomAD compares: Middle Eastern, 21%; 21,467 homozygotes.

Submissions (9):

Genomenon, Inc
Classification: Benign for Hypophosphatasia. Last evaluated: 2025-08-29. Review status: criteria provided, single submitter. Criteria: Genomenon Sequence Variant Interpretation Standards. Collection method: curation. Allele origin: germline. Affected: no.
Comment: ALPL c.793-31C>T is an intronic variant located in intron 7. This variant is present at high allele frequency in population databases. In conclusion, we classify ALPL c.793-31C>T as a benign variant.

Blueprint Genetics
Classification: Likely benign. Last evaluated: 2024-11-26. Review status: criteria provided, single submitter. Criteria: ACMG Guidelines, 2015. Collection method: clinical testing. Allele origin: germline.

Mayo Clinic Laboratories, Mayo Clinic
Classification: Benign. Last evaluated: 2022-03-09. Review status: criteria provided, single submitter. Criteria: ACMG Guidelines, 2015. Collection method: clinical testing. Allele origin: germline. Observed: 56 variant alleles.

Genome-Nilou Lab
Classification: Benign for Infantile hypophosphatasia. Last evaluated: 2021-07-01. Review status: criteria provided, single submitter. Criteria: ACMG Guidelines, 2015. Collection method: clinical testing. Allele origin: germline. Affected: no.

Genome-Nilou Lab
Classification: Benign for Childhood hypophosphatasia. Last evaluated: 2021-07-01. Review status: criteria provided, single submitter. Criteria: ACMG Guidelines, 2015. Collection method: clinical testing. Allele origin: germline. Affected: no.

Genome-Nilou Lab
Classification: Benign for Adult hypophosphatasia. Last evaluated: 2021-07-01. Review status: criteria provided, single submitter. Criteria: ACMG Guidelines, 2015. Collection method: clinical testing. Allele origin: germline. Affected: no.

GeneDx
Classification: Benign. Last evaluated: 2018-08-19. Review status: criteria provided, single submitter. Criteria: GeneDx Variant Classification Process June 2021. Collection method: clinical testing. Allele origin: germline. Affected: yes.

Breakthrough Genomics
Classification: Benign. Review status: criteria provided, single submitter. Criteria: ACMG Guidelines, 2015. Collection method: not provided. Allele origin: germline. Inheritance: Autosomal recessive inheritance. Affected: yes.

PreventionGenetics, part of Exact Sciences
Classification: Benign. Review status: criteria provided, single submitter. Criteria: ACMG Guidelines, 2015. Collection method: clinical testing. Allele origin: germline.